The following is an entry in ClinVar:

NM_004539.4(NARS1):c.1169G>A (p.Arg390Gln)

Gene: NARS1 (asparaginyl-tRNA synthetase 1; minus strand). Cytogenetic location: 18q21.31.
Variant type: single nucleotide variant.
Coding change: c.1169G>A on transcript NM_004539.4 (MANE Select); coding-DNA position 1169, G replaced by A.
Protein change: p.Arg390Gln; replaces arginine 390 with glutamine.
Molecular consequence: missense variant.
Genome position (GRCh38, 1-based): chr18:57,605,939, C>T on the plus strand (G>A on the coding strand, the complement: NARS1 is on the minus strand). VCF-style: chr18-57605939-C-T. GRCh37 (hg19) VCF-style: chr18-55273171-C-T.
Other names: short protein forms R390Q.
Identifiers: ClinVar variation 3175616 (VCV003175616.3), dbSNP rs376571019, ClinGen allele CA8973494.

ClinVar aggregate classification (germline): Uncertain significance. Review status: criteria provided, multiple submitters, no conflicts (2 of 4 stars). 2 submissions from 2 submitters: Uncertain significance (2). Last evaluated 2026-04-14.

Allele frequency attached by ClinVar (database versions not stated): gnomAD 0.00003; TOPMed 0.00002; ExAC 0.00003; ESP Exome Variant Server 0.00008.
gnomAD v4.1: 25 of 1,612,876 alleles (0.0016%); highest among the groups gnomAD compares: Non-Finnish European, 0.002%; no homozygotes.

Submissions (2):

Dasa
Classification: Uncertain significance. Last evaluated: 2026-04-14. Review status: criteria provided, single submitter. Criteria: DASA Assertion Criteria. Collection method: clinical testing. Allele origin: germline.
Comment: NM_004539.4(NARS):c.1169G>A (p.Arg390Gln) is a missense variant that results in the substitution of arginine with glutamine. This variant is rare in population databases. Computational prediction algorithms are consistent with a deleterious effect. The currently available literature and clinical evidence are not sufficient to establish a definitive association between this variant and the reported condition. Therefore, this variant is classified as a variant of uncertain significance.

Ambry Genetics
Classification: Uncertain significance. Last evaluated: 2022-12-14. Review status: criteria provided, single submitter. Criteria: Ambry Variant Classification Scheme 2023. Collection method: clinical testing. Allele origin: germline.